The following is an entry in ClinVar:

ClinVar aggregate classification (germline): Likely benign. Review status: criteria provided, multiple submitters, no conflicts (2 of 4 stars). 3 submissions from 3 submitters: Likely benign (3). Last evaluated 2026-07-13.

Conditions:
Hereditary cancer-predisposing syndrome. Also called: Tumor predisposition; Hereditary Cancer Syndrome; Hereditary neoplastic syndrome; Neoplastic Syndromes, Hereditary. Identifiers: Orphanet 140162, MedGen C0027672, MeSH D009386, MONDO:0015356.
Familial cancer of breast. Also called: Hereditary breast cancer; hereditary breast carcinoma; BREAST CANCER, FAMILIAL. Identifiers: Orphanet 227535, MedGen C0346153, MONDO:0016419, OMIM 114480. Disease mechanism: loss of function.

Submissions (3):

Ambry Genetics
Classification: Likely benign for Hereditary cancer-predisposing syndrome. Last evaluated: 2026-07-13. Review status: criteria provided, single submitter. Criteria: Ambry Variant Classification Scheme 2023. Collection method: clinical testing. Allele origin: germline.

Labcorp Genetics (formerly Invitae), Labcorp
Classification: Likely benign for Familial cancer of breast. Last evaluated: 2025-03-10. Review status: criteria provided, single submitter. Criteria: Invitae Variant Classification Sherloc (09022015). Collection method: clinical testing. Allele origin: germline.

Myriad Genetics, Inc.
Classification: Likely benign for Familial cancer of breast. Last evaluated: 2023-12-13. Review status: criteria provided, single submitter. Criteria: Myriad Autosomal Dominant, Autosomal Recessive and X-Linked Classification Criteria (2023). Collection method: clinical testing. Allele origin: unknown.
Comment: This variant is considered likely benign. This variant is a silent/synonymous amino acid change and it is not expected to impact splicing.

NM_007194.4(CHEK2):c.792A>G (p.Ala264=)

Gene: CHEK2 (checkpoint kinase 2; minus strand). Cytogenetic location: 22q12.1.
Variant type: single nucleotide variant.
Coding change: c.792A>G on transcript NM_007194.4 (MANE Select); coding-DNA position 792, A replaced by G.
Protein change: p.Ala264=; no amino-acid change (alanine 264 retained).
Molecular consequence: synonymous variant.
Genome position (GRCh38, 1-based): chr22:28,711,909, T>C on the plus strand (A>G on the coding strand, the complement: CHEK2 is on the minus strand). VCF-style: chr22-28711909-T-C. GRCh37 (hg19) VCF-style: chr22-29107897-T-C.
Other names: c.129A>G, p.Ala43= (NM_001257387.3); c.591A>G, p.Ala197= (NM_001349956.3); c.792A>G, p.Ala264= (NM_145862.3); c.921A>G, p.Ala307= (NM_001005735.3); c.792A>G (NM_007194.3).
Identifiers: ClinVar variation 1039878 (VCV001039878.11), dbSNP rs2053406573, ClinGen allele CA513945154.
Genomic context (GRCh38, chr22:28,711,909, plus strand): 5'-ATTTTGGGAAGTTATGAAGACGTGTTAATAAAAGGTGATCAGCCTTTTATTGGTACTTAC[T>C]GCCTCTCTTGCTGAACCAATAGCAAACTTCCTTTTGCTGATGATCTTTATGGCTACTTTC-3'
Protein context (NP_009125.1, residues 254-274): RKFAIGSARE[Ala264=]DPALNVETEI